The following is an entry in ClinVar:

NM_000180.4(GUCY2D):c.1376G>A (p.Gly459Glu)

Gene: GUCY2D (guanylate cyclase 2D, retinal; plus strand). Cytogenetic location: 17p13.1.
Variant type: single nucleotide variant.
Coding change: c.1376G>A on transcript NM_000180.4 (MANE Select); coding-DNA position 1376, G replaced by A.
Protein change: p.Gly459Glu; replaces glycine 459 with glutamic acid.
Molecular consequence: missense variant.
Genome position (GRCh38, 1-based): chr17:8,006,712, G>A. VCF-style: chr17-8006712-G-A. GRCh37 (hg19) VCF-style: chr17-7910030-G-A.
Other names: short protein forms G459E.
Identifiers: ClinVar variation 1719043 (VCV001719043.5), dbSNP rs1156640453, ClinGen allele CA397948619.
Genomic context (GRCh38, chr17:8,006,712, plus strand): 5'-GGGGATCAGCACCCGGACCTGACCCCTCGTGCTGGTTCGATCCAAACAACATCTGCGGTG[G>A]AGGTGAGGGCGAGCACCCCAGTCCCCACTGAGACAATCGCCATGGACCATCCACAAAGTG-3'
Protein context (NP_000171.1, residues 449-469): CWFDPNNICG[Gly459Glu]GLEPGLVFLG

ClinVar aggregate classification (germline): Uncertain significance (1 of 4 stars; one submission).

Conditions:
Cone-rod dystrophy 6 (CORD6). Also called: RETINAL CONE DYSTROPHY 2; Cone dystrophy progressive. Identifiers: Orphanet 1872, MedGen C1866293, MONDO:0011143, OMIM 601777.
Leber congenital amaurosis 1 (LCA1). Also called: AMAUROSIS CONGENITA OF LEBER I; Congenital absence of the rods and cones; Leber's congenital tapetoretinal degeneration; Leber's congenital tapetoretinal dysplasia; RETINAL BLINDNESS, CONGENITAL. Identifiers: Orphanet 65, MedGen C2931258, MONDO:0008764, OMIM 204000.

Allele frequency attached by ClinVar (database versions not stated): gnomAD exomes below 0.00001.
gnomAD v4.1: 1 of 1,602,298 alleles (0.000062%); highest among the groups gnomAD compares: Admixed American, 0.0017%; no homozygotes.

Submission:

Labcorp Genetics (formerly Invitae), Labcorp
Classification: Uncertain significance for Leber congenital amaurosis 1; Cone-rod dystrophy 6. Last evaluated: 2023-12-06. Review status: criteria provided, single submitter. Criteria: Invitae Variant Classification Sherloc (09022015). Collection method: clinical testing. Allele origin: germline.
Comment: This sequence change replaces glycine, which is neutral and non-polar, with glutamic acid, which is acidic and polar, at codon 459 of the GUCY2D protein (p.Gly459Glu). This variant is not present in population databases (gnomAD no frequency). This variant has not been reported in the literature in individuals affected with GUCY2D-related conditions. ClinVar contains an entry for this variant (Variation ID: 1719043). An algorithm developed to predict the effect of missense changes on protein structure and function (PolyPhen-2) suggests that this variant is likely to be disruptive. In summary, the available evidence is currently insufficient to determine the role of this variant in disease. Therefore, it has been classified as a Variant of Uncertain Significance.